The following is an entry in ClinVar:

ClinVar aggregate classification (germline): Uncertain significance. Review status: criteria provided, multiple submitters, no conflicts (2 of 4 stars). 2 submissions from 2 submitters: Uncertain significance (2). Last evaluated 2025-01-28.

Conditions:
Inborn genetic diseases. Identifiers: MedGen C0950123, MeSH D030342.

Allele frequency attached by ClinVar (database versions not stated): ExAC 0.00002; gnomAD 0.00009; TOPMed 0.00012.
gnomAD v4.1: 36 of 1,614,006 alleles (0.0022%); highest among the groups gnomAD compares: African/African-American, 0.029%; no homozygotes.

Submissions (2):

Labcorp Genetics (formerly Invitae), Labcorp
Classification: Uncertain significance. Last evaluated: 2025-01-28. Review status: criteria provided, single submitter. Criteria: Invitae Variant Classification Sherloc (09022015). Collection method: clinical testing. Allele origin: germline.
Comment: This sequence change replaces alanine, which is neutral and non-polar, with glycine, which is neutral and non-polar, at codon 1207 of the ROBO2 protein (p.Ala1207Gly). This variant is present in population databases (rs745596737, gnomAD 0.03%). This variant has not been reported in the literature in individuals affected with ROBO2-related conditions. ClinVar contains an entry for this variant (Variation ID: 3155608). Invitae Evidence Modeling of protein sequence and biophysical properties (such as structural, functional, and spatial information, amino acid conservation, physicochemical variation, residue mobility, and thermodynamic stability) indicates that this missense variant is not expected to disrupt ROBO2 protein function with a negative predictive value of 95%. In summary, the available evidence is currently insufficient to determine the role of this variant in disease. Therefore, it has been classified as a Variant of Uncertain Significance.

Ambry Genetics
Classification: Uncertain significance for Inborn genetic diseases. Last evaluated: 2023-12-20. Review status: criteria provided, single submitter. Criteria: Ambry Variant Classification Scheme 2023. Collection method: clinical testing. Allele origin: germline.

NM_001395656.1(ROBO2):c.3632C>G (p.Ala1211Gly)

Gene: ROBO2 (roundabout guidance receptor 2; plus strand). Cytogenetic location: 3p12.3.
Variant type: single nucleotide variant.
Coding change: c.3632C>G on transcript NM_001395656.1 (MANE Select); coding-DNA position 3632, C replaced by G.
Protein change: p.Ala1211Gly; replaces alanine 1211 with glycine.
Molecular consequence: missense variant.
Genome position (GRCh38, 1-based): chr3:77,622,292, C>G. VCF-style: chr3-77622292-C-G. GRCh37 (hg19) VCF-style: chr3-77671443-C-G.
Other names: c.3668C>G, p.Ala1223Gly (NM_001128929.3); c.3632C>G, p.Ala1211Gly (NM_001290039.2, NM_001290040.2); c.1841C>G, p.Ala614Gly (NM_001290065.2); c.3680C>G, p.Ala1227Gly (NM_001378190.1, NM_001378200.1, NM_001378201.1 and 1 more transcripts); c.3806C>G, p.Ala1269Gly (NM_001378191.1, NM_001378195.1, NM_001378196.1); c.3701C>G, p.Ala1234Gly (NM_001378192.1, NM_001378198.1, NM_001378199.1); c.3620C>G, p.Ala1207Gly (NM_001378193.1, NM_002942.5); c.3818C>G, p.Ala1273Gly (NM_001378194.1); and 5 more; short protein forms A1208G, A1211G, A1207G, A1230G, A1234G, A1272G, A1276G, A1227G.
Identifiers: ClinVar variation 3155608 (VCV003155608.3), dbSNP rs745596737, ClinGen allele CA2497699.